The following is an entry in ClinVar:

NM_001102416.3(KNG1):c.1461G>A (p.Gly487=)

Gene: KNG1 (kininogen 1; plus strand). Cytogenetic location: 3q27.3.
Variant type: single nucleotide variant.
Coding change: c.1461G>A on transcript NM_001102416.3 (MANE Select); coding-DNA position 1461, G replaced by A.
Protein change: p.Gly487=; no amino-acid change (glycine 487 retained).
Molecular consequence: synonymous variant. On other transcripts: intron variant (2).
Genome position (GRCh38, 1-based): chr3:186,741,857, G>A. VCF-style: chr3-186741857-G-A. GRCh37 (hg19) VCF-style: chr3-186459646-G-A.
Other names: p.Gly487=; c.1203+258G>A (NM_000893.4); c.1095+258G>A (NM_001166451.2).
Identifiers: ClinVar variation 3057213 (VCV003057213.3), dbSNP rs5030085, ClinGen allele CA2746470.

ClinVar aggregate classification (germline): Benign. Review status: criteria provided, single submitter (1 of 4 stars). 2 submissions from 2 submitters: Benign (1). 1 of the submissions does not count toward it. Last evaluated 2024-02-02.

Conditions:
KNG1-related disorder. Also called: KNG1-related condition.

Allele frequency attached by ClinVar (database versions not stated): ExAC 0.02941; 1000 Genomes Project 30x 0.03389; ESP Exome Variant Server 0.03816; TOPMed 0.04070; gnomAD exomes 0.03117; gnomAD 0.03900; 1000 Genomes Project 0.03315.

Submissions (2):

Mayo Clinic Laboratories, Mayo Clinic
Classification: Benign. Last evaluated: 2024-02-02. Review status: criteria provided, single submitter. Criteria: ACMG Guidelines, 2015. Collection method: clinical testing. Allele origin: germline. Observed: 18 variant alleles.

PreventionGenetics, part of Exact Sciences
Classification: Likely benign for KNG1-related condition. Last evaluated: 2019-11-25. Review status: no assertion criteria provided. Collection method: clinical testing. Allele origin: germline. Not counted in ClinVar's aggregate classification.
Comment: This variant is classified as likely benign based on ACMG/AMP sequence variant interpretation guidelines (Richards et al. 2015 PMID: 25741868, with internal and published modifications).